The following is an entry in ClinVar:

ClinVar aggregate classification (germline): Likely pathogenic (1 of 4 stars; one submission).

Conditions:
Long QT syndrome (LQTS). Identifiers: MedGen C0023976, MeSH D008133, MONDO:0002442. Disease mechanism: loss of function. Inheritance: Various modes of inheritance.

Submission:

Labcorp Genetics (formerly Invitae), Labcorp
Classification: Likely pathogenic for Long QT syndrome. Last evaluated: 2022-10-13. Review status: criteria provided, single submitter. Criteria: Invitae Variant Classification Sherloc (09022015). Collection method: clinical testing. Allele origin: germline.
Comment: In summary, the currently available evidence indicates that the variant is pathogenic, but additional data are needed to prove that conclusively. Therefore, this variant has been classified as Likely Pathogenic. This sequence change replaces tyrosine, which is neutral and polar, with serine, which is neutral and polar, at codon 111 of the KCNQ1 protein (p.Tyr111Ser). This variant is not present in population databases (gnomAD no frequency). This missense change has been observed in individual(s) with long QT syndrome (Invitae). Advanced modeling of protein sequence and biophysical properties (such as structural, functional, and spatial information, amino acid conservation, physicochemical variation, residue mobility, and thermodynamic stability) performed at Invitae indicates that this missense variant is expected to disrupt KCNQ1 protein function. This variant disrupts the p.Tyr111 amino acid residue in KCNQ1. Other variant(s) that disrupt this residue have been determined to be pathogenic (PMID: 17053194, 19114714, 20031635, 21129503). This suggests that this residue is clinically significant, and that variants that disrupt this residue are likely to be disease-causing.

Literature cited by the submitters: PubMed 17053194; PubMed 19114714; PubMed 20031635; PubMed 21129503.

NM_000218.3(KCNQ1):c.332A>C (p.Tyr111Ser)

Gene: KCNQ1 (potassium voltage-gated channel subfamily Q member 1; plus strand). Cytogenetic location: 11p15.5.
Variant type: single nucleotide variant.
Coding change: c.332A>C on transcript NM_000218.3 (MANE Select); coding-DNA position 332, A replaced by C.
Protein change: p.Tyr111Ser; replaces tyrosine 111 with serine.
Molecular consequence: missense variant.
Genome position (GRCh38, 1-based): chr11:2,445,430, A>C. VCF-style: chr11-2445430-A-C. GRCh37 (hg19) VCF-style: chr11-2466660-A-C.
Other names: c.332A>C, p.Tyr111Ser (NM_001406836.1, NM_001406838.1); c.-31A>C (NM_001406837.1); short protein forms Y111S.
Identifiers: ClinVar variation 2035007 (VCV002035007.4), dbSNP rs199472678, ClinGen allele CA379117524.